The following is an entry in ClinVar:

NM_001349338.3(FOXP1):c.1365C>G (p.Asn455Lys)

Gene: FOXP1 (forkhead box P1; minus strand). Cytogenetic location: 3p13.
Variant type: single nucleotide variant.
Coding change: c.1365C>G on transcript NM_001349338.3 (MANE Select); coding-DNA position 1365, C replaced by G.
Protein change: p.Asn455Lys; replaces asparagine 455 with lysine.
Molecular consequence: missense variant. On other transcripts: non-coding transcript variant (2).
Genome position (GRCh38, 1-based): chr3:70,977,706, G>C on the plus strand (C>G on the coding strand, the complement: FOXP1 is on the minus strand). VCF-style: chr3-70977706-G-C. GRCh37 (hg19) VCF-style: chr3-71026857-G-C.
Other names: c.1362C>G, p.Asn454Lys (NM_001244808.3, NM_001349341.3); c.1365C>G, p.Asn455Lys (NM_001244810.2, NM_001244814.3, NM_001244816.2 and 3 more transcripts); c.1137C>G, p.Asn379Lys (NM_001244812.3); c.1065C>G, p.Asn355Lys (NM_001244813.3, NM_001244815.2, NM_001349342.3); c.1062C>G, p.Asn354Lys (NM_001349337.2, NM_001349343.3, NM_001349344.3 and 1 more transcripts); short protein forms N354K, N355K, N379K, N454K, N455K.
Identifiers: ClinVar variation 2662824 (VCV002662824.4), dbSNP rs2545119920, ClinGen allele CA353493337.

ClinVar aggregate classification (germline): Uncertain significance. Review status: criteria provided, multiple submitters, no conflicts (2 of 4 stars). 2 submissions from 2 submitters: Uncertain significance (2). Last evaluated 2024-03-17.

Submissions (2):

Labcorp Genetics (formerly Invitae), Labcorp
Classification: Uncertain significance. Last evaluated: 2024-03-17. Review status: criteria provided, single submitter. Criteria: Invitae Variant Classification Sherloc (09022015). Collection method: clinical testing. Allele origin: germline.
Comment: This sequence change replaces asparagine, which is neutral and polar, with lysine, which is basic and polar, at codon 455 of the FOXP1 protein (p.Asn455Lys). This variant is not present in population databases (gnomAD no frequency). This variant has not been reported in the literature in individuals affected with FOXP1-related conditions. This missense change has been observed in at least one individual who was not affected with FOXP1-related conditions (Invitae). ClinVar contains an entry for this variant (Variation ID: 2662824). Advanced modeling of protein sequence and biophysical properties (such as structural, functional, and spatial information, amino acid conservation, physicochemical variation, residue mobility, and thermodynamic stability) has been performed at Invitae for this missense variant, however the output from this modeling did not meet the statistical confidence thresholds required to predict the impact of this variant on FOXP1 protein function. In summary, the available evidence is currently insufficient to determine the role of this variant in disease. Therefore, it has been classified as a Variant of Uncertain Significance.

GeneDx
Classification: Uncertain significance. Last evaluated: 2023-11-02. Review status: criteria provided, single submitter. Criteria: GeneDx Variant Classification Process June 2021. Collection method: clinical testing. Allele origin: germline. Affected: yes.
Comment: Has not been previously published as pathogenic or benign to our knowledge; Not observed at significant frequency in large population cohorts (gnomAD); In silico analysis supports that this missense variant has a deleterious effect on protein structure/function